The following is an entry in ClinVar:

ClinVar aggregate classification (germline): Uncertain significance (1 of 4 stars; one submission).

Allele frequency attached by ClinVar (database versions not stated): TOPMed below 0.00001; gnomAD 0.00001.
gnomAD v4.1: 1 of 1,445,852 alleles (0.000069%); highest among the groups gnomAD compares: Non-Finnish European, 0.000091%; no homozygotes.

Submission:

Labcorp Genetics (formerly Invitae), Labcorp
Classification: Uncertain significance. Last evaluated: 2022-08-08. Review status: criteria provided, single submitter. Criteria: Invitae Variant Classification Sherloc (09022015). Collection method: clinical testing. Allele origin: germline.
Comment: This sequence change falls in intron 2 of the DSCAML1 gene. It does not directly change the encoded amino acid sequence of the DSCAML1 protein. It affects a nucleotide within the consensus splice site. This variant is not present in population databases (gnomAD no frequency). This variant has not been reported in the literature in individuals affected with DSCAML1-related conditions. Variants that disrupt the consensus splice site are a relatively common cause of aberrant splicing (PMID: 17576681, 9536098). Algorithms developed to predict the effect of sequence changes on RNA splicing suggest that this variant is not likely to affect RNA splicing. In summary, the available evidence is currently insufficient to determine the role of this variant in disease. Therefore, it has been classified as a Variant of Uncertain Significance.

Literature cited by the submitters: PubMed 17576681; PubMed 9536098.

NM_020693.4(DSCAML1):c.364+5G>A

Gene: DSCAML1 (DS cell adhesion molecule like 1; minus strand). Cytogenetic location: 11q23.3.
Variant type: single nucleotide variant.
Coding change: c.364+5G>A on transcript NM_020693.4 (MANE Select); 5 bases into the intron after coding-DNA position 364, G replaced by A.
Molecular consequence: intron variant.
Genome position (GRCh38, 1-based): chr11:117,780,488, C>T on the plus strand (G>A on the coding strand, the complement: DSCAML1 is on the minus strand). VCF-style: chr11-117780488-C-T. GRCh37 (hg19) VCF-style: chr11-117651203-C-T.
Other names: c.364+5G>A (NM_001367904.1); c.-45+5G>A (NM_001367905.1).
Identifiers: ClinVar variation 2022721 (VCV002022721.4), dbSNP rs1227011148, ClinGen allele CA672280947.